The following is an entry in ClinVar:

NM_020374.4(FERRY3):c.1043_1044del (p.Thr348fs)

Gene: FERRY3 (FERRY endosomal RAB5 effector complex subunit 3; minus strand). Cytogenetic location: 12p13.32.
Variant type: Microsatellite.
Coding change: c.1043_1044del on transcript NM_020374.4 (MANE Select); coding-DNA positions 1043 to 1044, 2 bases deleted (CA; older notation c.1043_1044delCA).
Protein change: p.Thr348fs; shifts the reading frame from threonine 348.
Molecular consequence: frameshift variant. On other transcripts: non-coding transcript variant (1), intron variant (3).
Genome position (GRCh38, 1-based): chr12:4,517,179-4,517,180, TG deleted on the plus strand (CA on the coding strand, the reverse complement: FERRY3 is on the minus strand); deleting any 2 consecutive bases within chr12:4,517,179-4,517,182 gives the same sequence; the c. name uses the placement nearest the transcript's 3' end. VCF-style (leftmost placement, unchanged base first): chr12-4517178-CTG-C. GRCh37 (hg19) VCF-style: chr12-4626344-CTG-C.
Other names: c.1043_1044del, p.Thr348fs (NM_001304811.2); c.524_525del, p.Thr175fs (NM_001346156.2); c.191_192del, p.Thr64fs (NM_001352962.2); c.514+878_514+879del (NM_001346157.2); c.1033+878_1033+879del (NM_001346155.2, NM_001346153.2); short protein forms T175fs, T348fs, T64fs.
Identifiers: ClinVar variation 3254961 (VCV003254961.1), dbSNP rs2497522154.

ClinVar aggregate classification (germline): Pathogenic (1 of 4 stars; one submission).

Conditions:
Intellectual developmental disorder, autosomal recessive 66. Also called: Intellectual disability, autosomal recessive 66; Mental retardation, autosomal recessive 66. Identifiers: MedGen C4748732, MONDO:0032605, OMIM 618221.

Submission:

Victorian Clinical Genetics Services, Murdoch Childrens Research Institute
Classification: Pathogenic for Intellectual developmental disorder, autosomal recessive 66. Last evaluated: 2023-12-21. Review status: criteria provided, single submitter. Criteria: ACMG Guidelines, 2015. Collection method: clinical testing. Allele origin: germline. Inheritance: Autosomal recessive inheritance. Affected: yes.
Comment: Based on the classification scheme VCGS_Germline_v1.3.4, this variant is classified as Pathogenic. Following criteria are met: 0102 - Loss of function is a known mechanism of disease in this gene and is associated with intellectual developmental disorder, autosomal recessive 66, (MIM#618221). (I) 0106 - This gene is associated with autosomal recessive disease. (I) 0201 - Variant is predicted to cause nonsense-mediated decay (NMD) and loss of protein (premature termination codon is located at least 54 nucleotides upstream of the final exon-exon junction). (SP) 0251 - This variant is heterozygous. (I) 0301 - Variant is absent from gnomAD (both v2 and v3). (SP) 0702 - Other NMD-predicted variants comparable to the one identified in this case have strong previous evidence for pathogenicity. These variants have been reported as likely pathogenic and pathogenic, and observed in homozygous individuals with intellectual disability (DECIPHER, PMID: 27311568, VCGS). (SP) 0807 - This variant has no previous evidence of pathogenicity. (I) 0905 - No published segregation evidence has been identified for this variant. (I) 1007 - No published functional evidence has been identified for this variant. (I) Legend: (SP) - Supporting pathogenic, (I) - Information, (SB) - Supporting benign

Literature cited by the submitters: PubMed 27311568.